The following is an entry in ClinVar:

NM_000161.3(GCH1):c.440C>T (p.Pro147Leu)

Gene: GCH1 (GTP cyclohydrolase 1; minus strand). Cytogenetic location: 14q22.2.
Variant type: single nucleotide variant.
Coding change: c.440C>T on transcript NM_000161.3 (MANE Select); coding-DNA position 440, C replaced by T.
Protein change: p.Pro147Leu; replaces proline 147 with leucine.
Molecular consequence: missense variant.
Genome position (GRCh38, 1-based): chr14:54,865,340, G>A on the plus strand (C>T on the coding strand, the complement: GCH1 is on the minus strand). VCF-style: chr14-54865340-G-A. GRCh37 (hg19) VCF-style: chr14-55332058-G-A.
Other names: c.440C>T, p.Pro147Leu (NM_001024024.2, NM_001024070.2, NM_001024071.2); short protein forms P147L.
Identifiers: ClinVar variation 1060474 (VCV001060474.7), dbSNP rs1594989087, ClinGen allele CA389789948.

ClinVar aggregate classification (germline): Likely pathogenic (1 of 4 stars; one submission).

Conditions:
Dystonia 5 (DRD). Also called: Dystonia, DOPA-responsive, with or without hyperphenylalaninemia; GTP Cyclohydrolase 1-Deficient Dopa-Responsive Dystonia; DYSTONIA, PROGRESSIVE, WITH DIURNAL VARIATION; DYSTONIA-PARKINSONISM WITH DIURNAL FLUCTUATION; DYT-GCH1. Identifiers: Orphanet 98808, MedGen C1851920, MONDO:0007495, OMIM 128230.
GTP cyclohydrolase I deficiency. Identifiers: MedGen C0268467, MONDO:0100184.

Submission:

Labcorp Genetics (formerly Invitae), Labcorp
Classification: Likely pathogenic for GTP cyclohydrolase I deficiency; Dystonia 5. Last evaluated: 2024-03-11. Review status: criteria provided, single submitter. Criteria: Invitae Variant Classification Sherloc (09022015). Collection method: clinical testing. Allele origin: germline.
Comment: This sequence change replaces proline, which is neutral and non-polar, with leucine, which is neutral and non-polar, at codon 147 of the GCH1 protein (p.Pro147Leu). This variant is not present in population databases (gnomAD no frequency). This missense change has been observed in individuals with autosomal dominant dystonia and/or early-onset Parkinson disease (PMID: 35861376; Invitae). ClinVar contains an entry for this variant (Variation ID: 1060474). Advanced modeling of protein sequence and biophysical properties (such as structural, functional, and spatial information, amino acid conservation, physicochemical variation, residue mobility, and thermodynamic stability) performed at Invitae indicates that this missense variant is expected to disrupt GCH1 protein function with a positive predictive value of 80%. This variant disrupts the p.Pro147 amino acid residue in GCH1. Other variant(s) that disrupt this residue have been observed in individuals with GCH1-related conditions (PMID: 19491146; Invitae), which suggests that this may be a clinically significant amino acid residue. In summary, the currently available evidence indicates that the variant is pathogenic, but additional data are needed to prove that conclusively. Therefore, this variant has been classified as Likely Pathogenic.

Literature cited by the submitters: PubMed 35861376; PubMed 19491146.